The following is an entry in ClinVar:

ClinVar aggregate classification (germline): Likely benign. Review status: criteria provided, multiple submitters, no conflicts (2 of 4 stars). 2 submissions from 2 submitters: Likely benign (2). Last evaluated 2025-03-18.

Conditions:
Immunodeficiency-centromeric instability-facial anomalies syndrome 2 (ICF2). Identifiers: Orphanet 2268, MedGen C3279748, MONDO:0013553, OMIM 614069.

Allele frequency attached by ClinVar (database versions not stated): gnomAD exomes 0.00001; gnomAD 0.00005 and 0.00006; TOPMed 0.00005; ESP Exome Variant Server 0.00008.
gnomAD v4.1: 29 of 1,614,098 alleles (0.0018%); highest among the groups gnomAD compares: African/African-American, 0.004%; no homozygotes.

Submissions (2):

Labcorp Genetics (formerly Invitae), Labcorp
Classification: Likely benign for Immunodeficiency-centromeric instability-facial anomalies syndrome 2. Last evaluated: 2025-03-18. Review status: criteria provided, single submitter. Criteria: Invitae Variant Classification Sherloc (09022015). Collection method: clinical testing. Allele origin: germline.

CeGaT Center for Human Genetics Tuebingen
Classification: Likely benign. Last evaluated: 2025-03-01. Review status: criteria provided, single submitter. Criteria: CeGaT Center For Human Genetics Tuebingen Variant Classification Criteria Version 2. Collection method: clinical testing. Allele origin: germline. Affected: yes. Observed: 1 variant allele.
Comment: ZBTB24: BP4, BP7

NM_014797.3(ZBTB24):c.1857C>T (p.Ser619=)

Gene: ZBTB24 (zinc finger and BTB domain containing 24; minus strand). Cytogenetic location: 6q21.
Variant type: single nucleotide variant.
Coding change: c.1857C>T on transcript NM_014797.3 (MANE Select); coding-DNA position 1857, C replaced by T.
Protein change: p.Ser619=; no amino-acid change (serine 619 retained).
Molecular consequence: synonymous variant.
Genome position (GRCh38, 1-based): chr6:109,466,088, G>A on the plus strand (C>T on the coding strand, the complement: ZBTB24 is on the minus strand). VCF-style: chr6-109466088-G-A. GRCh37 (hg19) VCF-style: chr6-109787291-G-A.
Identifiers: ClinVar variation 758337 (VCV000758337.15), dbSNP rs368528986, ClinGen allele CA145100749.
Genomic context (GRCh38, chr6:109,466,088, plus strand): 5'-AGTGATCACGTGCACTGGCTCTGTTTGTGAGGGCCCCATCTGGCTTTCAATCATATTGAG[G>A]CTCTGAATGTGTTCTGTTTGCTCCTGTTGAGCTGAAAGAATTAAATTCTGCAGTTGCTCT-3'
Protein context (NP_055612.2, residues 609-629): AQQEQTEHIQ[Ser619=]LNMIESQMGP